The following is an entry in ClinVar:

NM_001184.4(ATR):c.7894T>G (p.Leu2632Val)

Gene: ATR (ATR checkpoint kinase; minus strand). Cytogenetic location: 3q23.
Variant type: single nucleotide variant.
Coding change: c.7894T>G on transcript NM_001184.4 (MANE Select); coding-DNA position 7894, T replaced by G.
Protein change: p.Leu2632Val; replaces leucine 2632 with valine.
Molecular consequence: missense variant.
Genome position (GRCh38, 1-based): chr3:142,449,470, A>C on the plus strand (T>G on the coding strand, the complement: ATR is on the minus strand). VCF-style: chr3-142449470-A-C. GRCh37 (hg19) VCF-style: chr3-142168312-A-C.
Other names: c.7702T>G, p.Leu2568Val (NM_001354579.2); short protein forms L2568V, L2632V.
Identifiers: ClinVar variation 1761058 (VCV001761058.2), dbSNP rs761237321, ClinGen allele CA354793705.

ClinVar aggregate classification (germline): Uncertain significance (1 of 4 stars; one submission).

Conditions:
Inborn genetic diseases. Identifiers: MedGen C0950123, MeSH D030342.

Submission:

Ambry Genetics
Classification: Uncertain significance for Inborn genetic diseases. Last evaluated: 2021-12-15. Review status: criteria provided, single submitter. Criteria: Ambry Variant Classification Scheme 2023. Collection method: clinical testing. Allele origin: germline.
Comment: The p.L2632V variant (also known as c.7894T>G), located in coding exon 47 of the ATR gene, results from a T to G substitution at nucleotide position 7894. The leucine at codon 2632 is replaced by valine, an amino acid with highly similar properties. This amino acid position is conserved. In addition, the in silico prediction for this alteration is inconclusive. Since supporting evidence is limited at this time, the clinical significance of this alteration remains unclear.